The following is an entry in ClinVar:

ClinVar aggregate classification (germline): Uncertain significance. Review status: criteria provided, multiple submitters, no conflicts (2 of 4 stars). 2 submissions from 2 submitters: Uncertain significance (2). Last evaluated 2025-04-06.

Conditions:
Hereditary spastic paraplegia 62. Also called: Spastic paraplegia 62, autosomal recessive. Identifiers: Orphanet 401785, MedGen C4284588, MONDO:0014302, OMIM 615681.

Allele frequency attached by ClinVar (database versions not stated): gnomAD 0.00003; ExAC 0.00007; TOPMed 0.00003; gnomAD exomes 0.00007.

Submissions (2):

Ambry Genetics
Classification: Uncertain significance. Last evaluated: 2025-04-06. Review status: criteria provided, single submitter. Criteria: Ambry Variant Classification Scheme 2023. Collection method: clinical testing. Allele origin: germline.

Labcorp Genetics (formerly Invitae), Labcorp
Classification: Uncertain significance for Hereditary spastic paraplegia 62. Last evaluated: 2021-09-14. Review status: criteria provided, single submitter. Criteria: Invitae Variant Classification Sherloc (09022015). Collection method: clinical testing. Allele origin: germline.
Comment: This sequence change replaces lysine with glutamine at codon 286 of the ERLIN1 protein (p.Lys286Gln). The lysine residue is moderately conserved and there is a small physicochemical difference between lysine and glutamine. This variant is present in population databases (rs774243081, ExAC 0.01%). This variant has not been reported in the literature in individuals affected with ERLIN1-related conditions. Algorithms developed to predict the effect of missense changes on protein structure and function (SIFT, PolyPhen-2, Align-GVGD) all suggest that this variant is likely to be tolerated. In summary, the available evidence is currently insufficient to determine the role of this variant in disease. Therefore, it has been classified as a Variant of Uncertain Significance.

NM_006459.4(ERLIN1):c.856A>C (p.Lys286Gln)

Gene: ERLIN1 (ER lipid raft associated 1; minus strand). Cytogenetic location: 10q24.31.
Variant type: single nucleotide variant.
Coding change: c.856A>C on transcript NM_006459.4 (MANE Select); coding-DNA position 856, A replaced by C.
Protein change: p.Lys286Gln; replaces lysine 286 with glutamine.
Molecular consequence: missense variant. On other transcripts: non-coding transcript variant (6).
Genome position (GRCh38, 1-based): chr10:100,152,322, T>G on the plus strand (A>C on the coding strand, the complement: ERLIN1 is on the minus strand). VCF-style: chr10-100152322-T-G. GRCh37 (hg19) VCF-style: chr10-101912079-T-G.
Other names: c.856A>C, p.Lys286Gln (NM_001100626.2, NM_001347857.2, NM_001347859.2 and 2 more transcripts); c.604A>C, p.Lys202Gln (NM_001347856.2); c.376A>C, p.Lys126Gln (NM_001347858.2); c.856A>C (NM_006459.3); short protein forms K202Q, K126Q, K286Q.
Identifiers: ClinVar variation 1351159 (VCV001351159.5), dbSNP rs774243081, ClinGen allele CA5645970.